The following is an entry in ClinVar:

ClinVar aggregate classification (germline): Uncertain significance. Review status: criteria provided, multiple submitters, no conflicts (2 of 4 stars). 2 submissions from 2 submitters: Uncertain significance (2). Last evaluated 2022-06-27.

Conditions:
Immunodeficiency 18 (IMD18). Also called: CD3-EPSILON DEFICIENCY; CD3epsilon deficiency. Identifiers: MedGen C3810127, MONDO:0014278, OMIM 615615.

Allele frequency attached by ClinVar (database versions not stated): gnomAD 0.00001; gnomAD exomes 0.00001 and 0.00002; TOPMed 0.00002; ExAC 0.00003.
gnomAD v4.1: 19 of 1,613,740 alleles (0.0012%); highest among the groups gnomAD compares: South Asian, 0.0022%; no homozygotes.

Submissions (2):

Labcorp Genetics (formerly Invitae), Labcorp
Classification: Uncertain significance for Immunodeficiency 18. Last evaluated: 2022-06-27. Review status: criteria provided, single submitter. Criteria: Invitae Variant Classification Sherloc (09022015). Collection method: clinical testing. Allele origin: germline.
Comment: This sequence change replaces serine, which is neutral and polar, with leucine, which is neutral and non-polar, at codon 3 of the CD3E protein (p.Ser3Leu). This variant is present in population databases (rs771841066, gnomAD 0.003%). This variant has not been reported in the literature in individuals affected with CD3E-related conditions. Algorithms developed to predict the effect of missense changes on protein structure and function output the following: SIFT: "Tolerated"; PolyPhen-2: "Benign"; Align-GVGD: "Class C0". The leucine amino acid residue is found in multiple mammalian species, which suggests that this missense change does not adversely affect protein function. In summary, the available evidence is currently insufficient to determine the role of this variant in disease. Therefore, it has been classified as a Variant of Uncertain Significance.

Women's Health and Genetics/Laboratory Corporation of America, LabCorp
Classification: Uncertain significance. Last evaluated: 2022-02-19. Review status: criteria provided, single submitter. Criteria: LabCorp Variant Classification Summary - May 2015. Collection method: clinical testing. Allele origin: germline.
Comment: Variant summary: CD3E c.8C>T (p.Ser3Leu) results in a non-conservative amino acid change in the encoded protein sequence. Four of five in-silico tools predict a benign effect of the variant on protein function. The variant allele was found at a frequency of 2e-05 in 251330 control chromosomes (gnomAD). The available data on variant occurrences in the general population are insufficient to allow any conclusion about variant significance. To our knowledge, no occurrence of c.8C>T in individuals affected with Severe Combined Immunodeficiency and no experimental evidence demonstrating its impact on protein function have been reported. No clinical diagnostic laboratories have submitted clinical-significance assessments for this variant to ClinVar after 2014. Based on the evidence outlined above, the variant was classified as uncertain significance.

NM_000733.4(CD3E):c.8C>T (p.Ser3Leu)

Gene: CD3E (CD3 epsilon subunit of T-cell receptor complex; plus strand). Cytogenetic location: 11q23.3.
Variant type: single nucleotide variant.
Coding change: c.8C>T on transcript NM_000733.4 (MANE Select); coding-DNA position 8, C replaced by T.
Protein change: p.Ser3Leu; replaces serine 3 with leucine.
Molecular consequence: missense variant.
Genome position (GRCh38, 1-based): chr11:118,304,960, C>T. VCF-style: chr11-118304960-C-T. GRCh37 (hg19) VCF-style: chr11-118175675-C-T.
Other names: short protein forms S3L.
Identifiers: ClinVar variation 1343501 (VCV001343501.3), dbSNP rs771841066, ClinGen allele CA6301538.
Genomic context (GRCh38, chr11:118,304,960, plus strand): 5'-TAAGTCTGCTGGCCTCCGCCATCTTAGTAAAGTAACAGTCCCATGAAACAAAGATGCAGT[C>T]GGGCACTCACTGGAGAGTTCTGGGCCTCTGCCTCTTATCAGGTGAGTAGGATGGAGTGGA-3'
Protein context (NP_000724.1, residues 1-13): MQ[Ser3Leu]GTHWRVLGLC